The following is an entry in ClinVar:

ClinVar aggregate classification (germline): Uncertain significance. Review status: criteria provided, single submitter (1 of 4 stars). 2 submissions from 2 submitters: Uncertain significance (1). 1 of the submissions does not count toward it. Last evaluated 2023-10-30.

Conditions:
Marinesco-Sjögren syndrome (MSS). Also called: Marinesco-SjÃ¶gren syndrome; Marinesco-Sjogren Syndrome. Identifiers: Orphanet 559, MedGen C0024814, MONDO:0009567, OMIM 248800.

Allele frequency attached by ClinVar (database versions not stated): gnomAD 0.00001; gnomAD exomes 0.00001.
gnomAD v4.1: 103 of 1,566,834 alleles (0.0066%); highest among the groups gnomAD compares: Non-Finnish European, 0.0087%; no homozygotes.

Submissions (2):

Revvity Omics, Revvity
Classification: Uncertain significance for Marinesco-Sjögren syndrome. Last evaluated: 2023-10-30. Review status: criteria provided, single submitter. Criteria: ACMG Guidelines, 2015. Collection method: clinical testing. Allele origin: germline.

Department of Pathology and Laboratory Medicine, Sinai Health System
Classification: Uncertain significance. Review status: no assertion criteria provided. Collection method: clinical testing. Allele origin: unknown. Affected: yes. Study: The Canadian Open Genetics Repository (COGR). Not counted in ClinVar's aggregate classification.
Comment: The SIL1 p.Y302C variant was not identified in the literature nor was it identified in ClinVar. The variant was identified in dbSNP (ID: rs1190963939) and in control databases in 2 of 203948 chromosomes at a frequency of 0.000009806 (Genome Aggregation Database March 6, 2019, v2.1.1). The p.Y302 residue is conserved in mammals and computational analyses (MUT Assesor, SIFT, MutationTaster, Revel, FATHMM, MetaLR, DANN) provide inconsistent predictions regarding the impact to the protein; this information is not very predictive of pathogenicity. The variant occurs outside of the splicing consensus sequence and in silico or computational prediction software programs (Splice AI exome) do not predict a difference in splicing. In summary, based on the above information the clinical significance of this variant cannot be determined with certainty at this time. This variant is classified as a variant of uncertain significance.

NM_022464.5(SIL1):c.905A>G (p.Tyr302Cys)

Gene: SIL1 (SIL1 nucleotide exchange factor; minus strand). Cytogenetic location: 5q31.2.
Variant type: single nucleotide variant.
Coding change: c.905A>G on transcript NM_022464.5 (MANE Select); coding-DNA position 905, A replaced by G.
Protein change: p.Tyr302Cys; replaces tyrosine 302 with cysteine.
Molecular consequence: missense variant.
Genome position (GRCh38, 1-based): chr5:138,951,295, T>C on the plus strand (A>G on the coding strand, the complement: SIL1 is on the minus strand). VCF-style: chr5-138951295-T-C. GRCh37 (hg19) VCF-style: chr5-138286984-T-C.
Other names: c.905A>G, p.Tyr302Cys (NM_001037633.2); short protein forms Y302C.
Identifiers: ClinVar variation 1048856 (VCV001048856.2), dbSNP rs1190963939, ClinGen allele CA361137685.
Genomic context (GRCh38, chr5:138,951,295, plus strand): 5'-TCCTGCACCAGGGTCCTCAGGACCTGCAGCCCCCCGAGCTTCAGGAACTGCCGCTGGGCA[T>C]AGGGGAAGTGGCGCAGCAGGGAGCACAGTGCAAACAGGACCTGGGGGCACAGACCCAGGG-3'
Protein context (NP_071909.1, residues 292-312): ALCSLLRHFP[Tyr302Cys]AQRQFLKLGG